The following is an entry in ClinVar:

ClinVar aggregate classification (germline): Uncertain significance (1 of 4 stars; one submission).

Conditions:
Hereditary spastic paraplegia 3A (SPG3A). Also called: SPASTIC PARAPLEGIA 3, AUTOSOMAL DOMINANT; FAMILIAL SPASTIC PARAPLEGIA, AUTOSOMAL DOMINANT, 1; SPG3; STRUMPELL DISEASE; Spastic paraplegia 3A, autosomal dominant; Spastic Paraplegia 3A. Identifiers: Orphanet 100984, MedGen C2931355, MONDO:0008437, OMIM 182600.

Submission:

Labcorp Genetics (formerly Invitae), Labcorp
Classification: Uncertain significance for Hereditary spastic paraplegia 3A. Last evaluated: 2021-05-30. Review status: criteria provided, single submitter. Criteria: Invitae Variant Classification Sherloc (09022015). Collection method: clinical testing. Allele origin: germline.
Comment: In summary, the available evidence is currently insufficient to determine the role of this variant in disease. Therefore, it has been classified as a Variant of Uncertain Significance. Advanced modeling of protein sequence and biophysical properties (such as structural, functional, and spatial information, amino acid conservation, physicochemical variation, residue mobility, and thermodynamic stability) performed at Invitae indicates that this missense variant is not expected to disrupt ATL1 protein function. This variant has not been reported in the literature in individuals with ATL1-related conditions. This variant is not present in population databases (ExAC no frequency). This sequence change replaces glutamic acid with glutamine at codon 60 of the ATL1 protein (p.Glu60Gln). The glutamic acid residue is moderately conserved and there is a small physicochemical difference between glutamic acid and glutamine.

NM_015915.5(ATL1):c.178G>C (p.Glu60Gln)

Gene: ATL1 (atlastin GTPase 1; plus strand). Cytogenetic location: 14q22.1.
Variant type: single nucleotide variant.
Coding change: c.178G>C on transcript NM_015915.5 (MANE Select); coding-DNA position 178, G replaced by C.
Protein change: p.Glu60Gln; replaces glutamic acid 60 with glutamine.
Molecular consequence: missense variant.
Genome position (GRCh38, 1-based): chr14:50,587,974, G>C. VCF-style: chr14-50587974-G-C. GRCh37 (hg19) VCF-style: chr14-51054692-G-C.
Other names: c.178G>C, p.Glu60Gln (NM_001127713.1, NM_181598.4); short protein forms E60Q.
Identifiers: ClinVar variation 1441421 (VCV001441421.8), dbSNP rs2140201888, ClinGen allele CA389665711.